The following is an entry in ClinVar:

NM_000193.4(SHH):c.1189_1200dup (p.Arg397_Asp400dup)

Gene: SHH (sonic hedgehog signaling molecule; minus strand). Cytogenetic location: 7q36.3.
Variant type: Duplication.
Coding change: c.1189_1200dup on transcript NM_000193.4 (MANE Select); coding-DNA positions 1189 to 1200, 12 bases duplicated (CGCGGCGGGGAC).
Protein change: p.Arg397_Asp400dup.
Molecular consequence: inframe insertion. On other transcripts: intron variant (1).
Genome position (GRCh38, 1-based): chr7:155,803,089-155,803,100, GTCCCCGCCGCG duplicated on the plus strand (CGCGGCGGGGAC on the coding strand, the reverse complement: SHH is on the minus strand); duplicating any 12 consecutive bases within chr7:155,803,089-155,803,104 gives the same sequence; the c. name uses the placement nearest the transcript's 3' end. VCF-style (leftmost placement, unchanged base first): chr7-155803088-T-TGTCCCCGCCGCG. GRCh37 (hg19) VCF-style: chr7-155595782-T-TGTCCCCGCCGCG.
Other names: c.302-2855_302-2844dup (NM_001310462.2).
Identifiers: ClinVar variation 1407269 (VCV001407269.8), dbSNP rs1379532101, ClinGen allele CA579079642.

ClinVar aggregate classification (germline): Uncertain significance (1 of 4 stars; one submission).

Conditions:
Holoprosencephaly 3 (HPE3). Identifiers: Orphanet 2162, MedGen C1840529, MONDO:0007733, OMIM 142945.

Submission:

Labcorp Genetics (formerly Invitae), Labcorp
Classification: Uncertain significance for Holoprosencephaly 3. Last evaluated: 2024-02-26. Review status: criteria provided, single submitter. Criteria: Invitae Variant Classification Sherloc (09022015). Collection method: clinical testing. Allele origin: germline.
Comment: This variant, c.1189_1200dup, results in the insertion of 4 amino acid(s) of the SHH protein (p.Arg397_Asp400dup), but otherwise preserves the integrity of the reading frame. This variant is present in population databases (no rsID available, gnomAD 0.06%). This variant has not been reported in the literature in individuals affected with SHH-related conditions. ClinVar contains an entry for this variant (Variation ID: 1407269). Experimental studies and prediction algorithms are not available or were not evaluated, and the functional significance of this variant is currently unknown. In summary, the available evidence is currently insufficient to determine the role of this variant in disease. Therefore, it has been classified as a Variant of Uncertain Significance.